The following is an entry in ClinVar:

ClinVar aggregate classification (germline): Likely benign (1 of 4 stars; one submission).

Allele frequency attached by ClinVar (database versions not stated): gnomAD exomes below 0.00001.
gnomAD v4.1: 1 of 1,614,180 alleles (0.000062%); highest among the groups gnomAD compares: Non-Finnish European, 0.000085%; no homozygotes.

Submission:

CeGaT Center for Human Genetics Tuebingen
Classification: Likely benign. Last evaluated: 2022-10-01. Review status: criteria provided, single submitter. Criteria: CeGaT Center For Human Genetics Tuebingen Variant Classification Criteria Version 2. Collection method: clinical testing. Allele origin: germline. Affected: yes. Observed: 1 variant allele.
Comment: ADAM12: PM2:Supporting, BP4, BP7

NM_001288973.2(ADAM12):c.2607C>T (p.Ala869=)

Gene: ADAM12 (ADAM metallopeptidase domain 12; minus strand). Cytogenetic location: 10q26.2.
Variant type: single nucleotide variant.
Coding change: c.2607C>T on transcript NM_001288973.2 (MANE Select); coding-DNA position 2607, C replaced by T.
Protein change: p.Ala869=; no amino-acid change (alanine 869 retained).
Molecular consequence: synonymous variant.
Genome position (GRCh38, 1-based): chr10:126,019,748, G>A on the plus strand (C>T on the coding strand, the complement: ADAM12 is on the minus strand). VCF-style: chr10-126019748-G-A. GRCh37 (hg19) VCF-style: chr10-127708317-G-A.
Other names: c.2616C>T, p.Ala872= (NM_003474.6).
Identifiers: ClinVar variation 2640958 (VCV002640958.24), dbSNP rs2494877351, ClinGen allele CA471802003.